The following is an entry in ClinVar:

ClinVar aggregate classification (germline): Uncertain significance. Review status: reviewed by expert panel (3 of 4 stars). 3 submissions from 3 submitters: Uncertain significance (1). 2 of the submissions do not count toward it. Last evaluated 2021-03-22.

Conditions:
Hypertrophic cardiomyopathy. Also called: HYPERTROPHIC MYOCARDIOPATHY. Identifiers: Orphanet 217569, MedGen C0007194, MeSH D002312, MONDO:0005045, HP:0001639.

Submissions (3):

ClinGen Cardiomyopathy Variant Curation Expert Panel
Classification: Uncertain significance for Hypertrophic cardiomyopathy. Last evaluated: 2021-03-22. Review status: reviewed by expert panel. Criteria: ClinGen CMP ACMG Specifications v1. Collection method: curation. Allele origin: germline. Inheritance: Autosomal dominant inheritance.
Comment: The c.1148A>G (p.Lys383Arg) variant in MYH7 has been reported in at least 1 individual with HCM (Gruner 2011 PMID: 21511876; Walsh 2017 PMID:27532257); however due to potential overlap in the individuals reported, PS4_Supporting criteria is not met. This variant was absent from large population studies (PM2;, v.2.1.1). This variant lies in the head region of the protein (aa 181-937) and missense variants in this region are statistically more likely to be disease-associated (PM1; Walsh 2017 PMID:27532257). Computational prediction tools and conservation analysis were mixed about the potential impact of this variant. In summary, due to insufficience evidence, this variant is classified as uncertain significance for hypertrophic cardiomyopathy in an autosomal dominant manner. MYH7-specific ACMG/AMP criteria applied (Kelly 2018 PMID:29300372): PM2; PM1

GeneDx
Classification: Likely pathogenic. Last evaluated: 2015-02-10. Review status: criteria provided, single submitter. Criteria: GeneDx Variant Classification (06012015). Collection method: clinical testing. Allele origin: germline. Affected: yes. Not counted in ClinVar's aggregate classification.
Comment: A likely pathogenic variant was identified in the MYH7 gene. The K383R variant has been reported as a variant of unknown significance associated with apical HCM (Gruner C et al., 2011). The K383R variant was not observed in approximately 6,500 individuals of European and African American ancestry in an external variant database, indicating it is not a common benign variant in these populations. While the K383R variant is a conservative amino acid substitution, which is not likely to impact secondary protein structure, this substitution occurs at a position that is conserved across species. Additionally, in silico analysis predicts this variant is probably damaging to the protein structure/function. Furthermore, a missense variant in this residue (K383N) and missense variants in nearby residues (G377S, G377R, D382Y, A385V, Y386H, Y386C) have been reported in the Human Gene Mutation Database in association with cardiomyopathy (Kuang S et al., 1996; Stenson P et al., 2014), supporting the functional importance of this residue and region of the protein. Therefore, this is a strong candidate for a pathogenic variant, however the possibility that it is a benign variant cannot be excluded.

Laboratory for Molecular Medicine, Mass General Brigham Personalized Medicine
Classification: Uncertain significance. Last evaluated: 2008-03-01. Review status: no assertion criteria provided. Collection method: clinical testing. Allele origin: germline. Observed: 1 variant allele. Not counted in ClinVar's aggregate classification.

NM_000257.4(MYH7):c.1148A>G (p.Lys383Arg)

Gene: MYH7 (myosin heavy chain 7; minus strand). Cytogenetic location: 14q11.2.
Variant type: single nucleotide variant.
Coding change: c.1148A>G on transcript NM_000257.4 (MANE Select); coding-DNA position 1148, A replaced by G.
Protein change: p.Lys383Arg; replaces lysine 383 with arginine.
Molecular consequence: missense variant.
Genome position (GRCh38, 1-based): chr14:23,429,338, T>C on the plus strand (A>G on the coding strand, the complement: MYH7 is on the minus strand). VCF-style: chr14-23429338-T-C. GRCh37 (hg19) VCF-style: chr14-23898547-T-C.
Other names: NM_000257.4(MYH7):c.1148A>G; short protein forms K383R.
Identifiers: ClinVar variation 42826 (VCV000042826.7), dbSNP rs397516092, ClinGen allele CA010281.